The following is an entry in ClinVar:

NM_000257.4(MYH7):c.4064C>A (p.Ala1355Asp)

Gene: MYH7 (myosin heavy chain 7; minus strand). Cytogenetic location: 14q11.2.
Variant type: single nucleotide variant.
Coding change: c.4064C>A on transcript NM_000257.4 (MANE Select); coding-DNA position 4064, C replaced by A.
Protein change: p.Ala1355Asp; replaces alanine 1355 with aspartic acid.
Molecular consequence: missense variant.
Genome position (GRCh38, 1-based): chr14:23,418,315, G>T on the plus strand (C>A on the coding strand, the complement: MYH7 is on the minus strand). VCF-style: chr14-23418315-G-T. GRCh37 (hg19) VCF-style: chr14-23887524-G-T.
Other names: short protein forms A1355D.
Identifiers: ClinVar variation 924557 (VCV000924557.5), dbSNP rs1892313725, ClinGen allele CA389041048.

ClinVar aggregate classification (germline): Uncertain significance. Review status: criteria provided, multiple submitters, no conflicts (2 of 4 stars). 2 submissions from 2 submitters: Uncertain significance (2). Last evaluated 2024-05-14.

Conditions:
Cardiomyopathy (CMYO). Also called: Cardiomyopathies. Identifiers: Orphanet 167848, MedGen C0878544, MONDO:0004994, HP:0001638. Inheritance: Various modes of inheritance.

Allele frequency attached by ClinVar (database versions not stated): gnomAD exomes below 0.00001.
gnomAD v4.1: 5 of 1,613,726 alleles (0.00031%); highest among the groups gnomAD compares: Non-Finnish European, 0.00042%; no homozygotes.

Submissions (2):

All of Us Research Program, National Institutes of Health
Classification: Uncertain significance for Cardiomyopathy. Last evaluated: 2024-05-14. Review status: criteria provided, single submitter. Criteria: ACMG Guidelines, 2015. Collection method: clinical testing. Allele origin: germline. Inheritance: Autosomal dominant inheritance. Observed: 1 variant allele, 1 heterozygote.
Comment: This missense variant replaces alanine with aspartic acid at codon 1355 of the MYH7 protein. Computational prediction tool is inconclusive regarding the impact of this variant on protein structure and function (internally defined REVEL score threshold 0.5 < inconclusive < 0.7, PMID: 27666373). Splice site prediction tools suggest that this variant may not impact RNA splicing. To our knowledge, functional studies have not been performed for this variant. This variant has not been reported in individuals affected with cardiovascular disorders in the literature. This variant has not been identified in the general population by the Genome Aggregation Database (gnomAD). The available evidence is insufficient to determine the role of this variant in disease conclusively. Therefore, this variant is classified as a Variant of Uncertain Significance.

This study involves interpretation of variants in research participants for the purpose of population health screening. Participant phenotype was not available at the time of variant classification. Additional details can be found in publication PMID: 35346344, PMCID: PMC8962531

Color Diagnostics, LLC DBA Color Health
Classification: Uncertain significance for Cardiomyopathy. Last evaluated: 2024-03-06. Review status: criteria provided, single submitter. Criteria: ACMG Guidelines, 2015. Collection method: clinical testing. Allele origin: germline.
Comment: This missense variant replaces alanine with aspartic acid at codon 1355 of the MYH7 protein. Computational prediction tool is inconclusive regarding the impact of this variant on protein structure and function (internally defined REVEL score threshold 0.5 < inconclusive < 0.7, PMID: 27666373). Splice site prediction tools suggest that this variant may not impact RNA splicing. To our knowledge, functional studies have not been performed for this variant. This variant has not been reported in individuals affected with cardiovascular disorders in the literature. This variant has not been identified in the general population by the Genome Aggregation Database (gnomAD). The available evidence is insufficient to determine the role of this variant in disease conclusively. Therefore, this variant is classified as a Variant of Uncertain Significance.